The following is an entry in ClinVar:

NM_001374828.1(ARID1B):c.4339G>C (p.Gly1447Arg)

Gene: ARID1B (AT-rich interaction domain 1B; plus strand). Cytogenetic location: 6q25.3.
Variant type: single nucleotide variant.
Coding change: c.4339G>C on transcript NM_001374828.1 (MANE Select); coding-DNA position 4339, G replaced by C.
Protein change: p.Gly1447Arg; replaces glycine 1447 with arginine.
Molecular consequence: missense variant.
Genome position (GRCh38, 1-based): chr6:157,196,272, G>C. VCF-style: chr6-157196272-G-C. GRCh37 (hg19) VCF-style: chr6-157517406-G-C.
Other names: c.4090G>C, p.Gly1364Arg (NM_001346813.1); c.1840G>C, p.Gly614Arg (NM_001363725.2); c.4219G>C, p.Gly1407Arg (NM_001371656.1, NM_001374820.1); c.4180G>C, p.Gly1394Arg (NM_017519.3); c.3970G>C, p.Gly1324Arg (NM_020732.3); c.3757G>C, p.Gly1253Arg (NM_175863.2); short protein forms G1324R, G1364R, G614R, G1253R, G1447R, G1407R, G1394R.
Identifiers: ClinVar variation 2196139 (VCV002196139.4), dbSNP rs745841288, ClinGen allele CA4067596.
Genomic context (GRCh38, chr6:157,196,272, plus strand): 5'-AGCAGCATGCAGGACATGTACAACCAAAGTCCCTCCGGAGCAATGTCTAACCTGGGCATG[G>C]GGCAGCGCCAGCAGTTTCCCTATGGAGCCAGTTACGACCGAAGGTGAGTATTTTTTAAGA-3'
Protein context (NP_001361757.1, residues 1437-1457): PSGAMSNLGM[Gly1447Arg]QRQQFPYGAS

ClinVar aggregate classification (germline): Uncertain significance (1 of 4 stars; one submission).

Allele frequency attached by ClinVar (database versions not stated): gnomAD exomes below 0.00001; ExAC 0.00001; TOPMed 0.00001.
gnomAD v4.1: 1 of 1,609,338 alleles (0.000062%); highest among the groups gnomAD compares: Admixed American, 0.0017%; no homozygotes.

Submission:

Labcorp Genetics (formerly Invitae), Labcorp
Classification: Uncertain significance. Last evaluated: 2022-11-08. Review status: criteria provided, single submitter. Criteria: Invitae Variant Classification Sherloc (09022015). Collection method: clinical testing. Allele origin: germline.
Comment: In summary, the available evidence is currently insufficient to determine the role of this variant in disease. Therefore, it has been classified as a Variant of Uncertain Significance. This sequence change replaces glycine, which is neutral and non-polar, with arginine, which is basic and polar, at codon 1324 of the ARID1B protein (p.Gly1324Arg). This variant is present in population databases (rs745841288, gnomAD 0.003%). This variant has not been reported in the literature in individuals affected with ARID1B-related conditions. Algorithms developed to predict the effect of missense changes on protein structure and function (SIFT, PolyPhen-2, Align-GVGD) all suggest that this variant is likely to be disruptive.